The following is an entry in ClinVar:

NM_025179.4(PLXNA2):c.2082G>A (p.Arg694=)

Gene: PLXNA2 (plexin A2; minus strand). Cytogenetic location: 1q32.2.
Variant type: single nucleotide variant.
Coding change: c.2082G>A on transcript NM_025179.4 (MANE Select); coding-DNA position 2082, G replaced by A.
Protein change: p.Arg694=; no amino-acid change (arginine 694 retained).
Molecular consequence: synonymous variant.
Genome position (GRCh38, 1-based): chr1:208,092,801, C>T on the plus strand (G>A on the coding strand, the complement: PLXNA2 is on the minus strand). VCF-style: chr1-208092801-C-T. GRCh37 (hg19) VCF-style: chr1-208266146-C-T.
Identifiers: ClinVar variation 4985994 (VCV004985994.1).

ClinVar aggregate classification (germline): Likely benign (1 of 4 stars; one submission).

Conditions:
PLXNA2-related disorder. Also called: PLXNA2-related condition.

gnomAD v4.1: 11 of 1,612,806 alleles (0.00068%); highest among the groups gnomAD compares: Admixed American, 0.005%; no homozygotes.

Submission:

PreventionGenetics, part of Exact Sciences
Classification: Likely benign for PLXNA2-related condition. Last evaluated: 2026-03-22. Review status: criteria provided, single submitter. Criteria: ACMG Guidelines, 2015. Collection method: clinical testing. Allele origin: germline.
Comment: This variant is classified as likely benign based on ACMG/AMP sequence variant interpretation guidelines (Richards et al. 2015 PMID: 25741868, with internal and published modifications).